The following is an entry in ClinVar:

NC_000019.9:g.(?_4153745)_(4155044_?)del

Gene: CREB3L3 (cAMP responsive element binding protein 3 like 3; plus strand). Cytogenetic location: 19p13.3.
Variant type: Deletion.
Identifiers: ClinVar variation 3242720 (VCV003242720.1).

ClinVar aggregate classification (germline): Pathogenic (1 of 4 stars; one submission).

Submission:

Labcorp Genetics (formerly Invitae), Labcorp
Classification: Pathogenic. Last evaluated: 2023-02-27. Review status: criteria provided, single submitter. Criteria: Invitae Variant Classification Sherloc (09022015). Collection method: clinical testing. Allele origin: unknown.
Comment: For these reasons, this variant has been classified as Pathogenic. This variant has not been reported in the literature in individuals affected with CREB3L3-related conditions. This variant is a gross deletion of the genomic region encompassing exon(s) 1-2 of the CREB3L3 gene, which includes the initiator codon. This deletion extends beyond the assayed region for this gene and therefore may encompass additional genes. It is expected to result in an absent or disrupted protein product. Loss-of-function variants in CREB3L3 are known to be pathogenic (PMID: 21666694, 26427795).

Literature cited by the submitters: PubMed 21666694; PubMed 26427795.